The following is an entry in ClinVar:

ClinVar aggregate classification (germline): Benign. Review status: criteria provided, multiple submitters, no conflicts (2 of 4 stars). 2 submissions from 2 submitters: Benign (2). Last evaluated 2024-07-15.

Allele frequency attached by ClinVar (database versions not stated): 1000 Genomes Project 30x 0.52077; 1000 Genomes Project 0.52196; TOPMed 0.59258; gnomAD 0.60273 and 0.60583; gnomAD exomes 0.60641 and 0.66261; ExAC 0.61564; ESP Exome Variant Server 0.63217.
gnomAD v4.1: 1,057,327 of 1,610,834 alleles (66%); highest among the groups gnomAD compares: Middle Eastern, 70%; 353,073 homozygotes.

Submissions (2):

Unidad de Genómica Garrahan, Hospital de Pediatría Garrahan
Classification: Benign. Last evaluated: 2024-07-15. Review status: criteria provided, single submitter. Criteria: ACMG Guidelines, 2015. Collection method: clinical testing. Allele origin: germline. Affected: no. Observed: 69 variant alleles.
Comment: This variant is classified as Benign based on local population frequency. This variant was detected in 74% of patients studied in a panel designed for Epileptic and Developmental Encephalopathy and Progressive Myoclonus Epilepsy. Number of patients: 69. Only high quality variants are reported.

GeneDx
Classification: Benign. Last evaluated: 2018-11-10. Review status: criteria provided, single submitter. Criteria: GeneDx Variant Classification Process June 2021. Collection method: clinical testing. Allele origin: germline. Affected: yes.

NM_012120.3(CD2AP):c.421-25G>A

Gene: CD2AP (CD2 associated protein; plus strand). Cytogenetic location: 6p12.3.
Variant type: single nucleotide variant.
Coding change: c.421-25G>A on transcript NM_012120.3 (MANE Select); 25 bases into the intron before coding-DNA position 421, G replaced by A.
Molecular consequence: intron variant.
Genome position (GRCh38, 1-based): chr6:47,554,621, G>A. VCF-style: chr6-47554621-G-A. GRCh37 (hg19) VCF-style: chr6-47522357-G-A.
Identifiers: ClinVar variation 1289128 (VCV001289128.4), dbSNP rs9473132, ClinGen allele CA3843993.